The following is an entry in ClinVar:

ClinVar aggregate classification (germline): Uncertain significance (1 of 4 stars; one submission).

Conditions:
Pyogenic arthritis-pyoderma gangrenosum-acne syndrome (PAPA). Also called: PAPA SYNDROME; FAMILIAL RECURRENT ARTHRITIS. Identifiers: Orphanet 69126, MedGen C1858361, MONDO:0011462, OMIM 604416.

Submission:

Labcorp Genetics (formerly Invitae), Labcorp
Classification: Uncertain significance for Pyogenic arthritis-pyoderma gangrenosum-acne syndrome. Last evaluated: 2019-06-04. Review status: criteria provided, single submitter. Criteria: Invitae Variant Classification Sherloc (09022015). Collection method: clinical testing. Allele origin: germline.
Comment: This variant results in a copy number gain of the genomic region encompassing the full coding sequence of the PSTPIP1 gene. The boundaries of this event are unknown as they extend beyond the assayed region for this gene and therefore may encompass additional genes. As the precise location of this event is unknown, it may be in tandem or it may be located elsewhere in the genome. This variant has not been reported in the literature in individuals with PSTPIP1-related conditions. Experimental studies and prediction algorithms are not available or were not evaluated for this variant, and the functional significance of the affected amino acid(s) is currently unknown. In summary, the available evidence is currently insufficient to determine the role of this variant in disease. Therefore, it has been classified as a Variant of Uncertain Significance.

NC_000015.9:g.(?_77287895)_(77329537_?)dup

Genes: PSTPIP1 (proline-serine-threonine phosphatase interacting protein 1; plus strand), LOC130057652 (ATAC-STARR-seq lymphoblastoid active region 9887; plus strand), LOC130057653 (ATAC-STARR-seq lymphoblastoid active region 9888; plus strand). Cytogenetic location: 15q24.3.
Variant type: Duplication.
Identifiers: ClinVar variation 583784 (VCV000583784.10).